The following is an entry in ClinVar:

ClinVar aggregate classification (germline): Uncertain significance (1 of 4 stars; one submission).

Conditions:
Hypertrophic cardiomyopathy. Also called: HYPERTROPHIC MYOCARDIOPATHY. Identifiers: Orphanet 217569, MedGen C0007194, MeSH D002312, MONDO:0005045, HP:0001639.

Submission:

All of Us Research Program, National Institutes of Health
Classification: Uncertain significance for Hypertrophic cardiomyopathy. Last evaluated: 2023-08-15. Review status: criteria provided, single submitter. Criteria: ACMG Guidelines, 2015. Collection method: clinical testing. Allele origin: germline. Inheritance: Autosomal dominant inheritance. Observed: 1 variant allele, 1 heterozygote.
Comment: This variant changes 1 nucleotide in exon 3 of the PRKAG2 gene, creating a premature translation stop signal. This variant is expected to result in an absent or non-functional protein product. To our knowledge, this variant has not been reported in individuals affected with PRKAG2-related disorders in the literature. This variant has not been identified in the general population by the Genome Aggregation Database (gnomAD). Clinical relevance of loss-of-function PRKAG2 truncation variants in autosomal dominant cardiovascular disorders is not clearly established. The available evidence is insufficient to determine the role of this variant in disease conclusively. Therefore, this variant is classified as a Variant of Uncertain Significance.

This study involves interpretation of variants in research participants for the purpose of population health screening. Participant phenotype was not available at the time of variant classification. Additional details can be found in publication PMID: 35346344, PMCID: PMC8962531

NM_016203.4(PRKAG2):c.331C>T (p.Gln111Ter)

Gene: PRKAG2 (protein kinase AMP-activated non-catalytic subunit gamma 2; minus strand). Cytogenetic location: 7q36.1.
Variant type: single nucleotide variant.
Coding change: c.331C>T on transcript NM_016203.4 (MANE Select); coding-DNA position 331, C replaced by T.
Protein change: p.Gln111Ter; replaces glutamine 111 with a stop codon.
Molecular consequence: nonsense. On other transcripts: intron variant (1).
Genome position (GRCh38, 1-based): chr7:151,781,287, G>A on the plus strand (C>T on the coding strand, the complement: PRKAG2 is on the minus strand). VCF-style: chr7-151781287-G-A. GRCh37 (hg19) VCF-style: chr7-151478373-G-A.
Other names: c.331C>T, p.Gln111Ter (NM_001407031.1, NM_001407021.1, NM_001407022.1 and 2 more transcripts); c.199C>T, p.Gln67Ter (NM_001407033.1, NM_001040633.2, NM_001407024.1 and 2 more transcripts); c.148+33129C>T (NM_001407032.1); short protein forms Q111*, Q67*.
Identifiers: ClinVar variation 3072903 (VCV003072903.1), dbSNP rs778331706, ClinGen allele CA370069657.